The following is an entry in ClinVar:

NM_001374736.1(DST):c.369C>G (p.Val123=)

Gene: DST (dystonin; minus strand). Cytogenetic location: 6p12.1.
Variant type: single nucleotide variant.
Coding change: c.369C>G on transcript NM_001374736.1 (MANE Select); coding-DNA position 369, C replaced by G.
Protein change: p.Val123=; no amino-acid change (valine 123 retained).
Molecular consequence: synonymous variant.
Genome position (GRCh38, 1-based): chr6:56,900,469, G>C on the plus strand (C>G on the coding strand, the complement: DST is on the minus strand). VCF-style: chr6-56900469-G-C. GRCh37 (hg19) VCF-style: chr6-56765267-G-C.
Other names: c.369C>G, p.Val123= (NM_001144769.5, NM_001374722.1); c.396C>G, p.Val132= (NM_001374734.1).
Identifiers: ClinVar variation 3770877 (VCV003770877.14).

ClinVar aggregate classification (germline): Likely benign. Review status: criteria provided, multiple submitters, no conflicts (2 of 4 stars). 2 submissions from 2 submitters: Likely benign (2). Last evaluated 2025-02-01.

gnomAD v4.1: 499 of 1,367,572 alleles (0.036%); highest among the groups gnomAD compares: Non-Finnish European, 0.045%; no homozygotes.

Submissions (2):

CeGaT Center for Human Genetics Tuebingen
Classification: Likely benign. Last evaluated: 2025-02-01. Review status: criteria provided, single submitter. Criteria: CeGaT Center For Human Genetics Tuebingen Variant Classification Criteria Version 2. Collection method: clinical testing. Allele origin: germline. Affected: yes. Observed: 1 variant allele.
Comment: DST: BP4, BP7

Blueprint Genetics
Classification: Likely benign. Last evaluated: 2024-09-06. Review status: criteria provided, single submitter. Criteria: ACMG Guidelines, 2015. Collection method: clinical testing. Allele origin: germline.